The following is an entry in ClinVar:

NM_002878.4(RAD51D):c.263G>A (p.Ser88Asn)

Genes: RAD51L3-RFFL (RAD51L3-RFFL readthrough; minus strand), RAD51D (RAD51 paralog D; minus strand). Cytogenetic location: 17q12.
Variant type: single nucleotide variant.
Coding change: c.263G>A on transcript NM_002878.4 (MANE Select); coding-DNA position 263, G replaced by A.
Protein change: p.Ser88Asn; replaces serine 88 with asparagine.
Molecular consequence: missense variant. On other transcripts: intron variant (2).
Genome position (GRCh38, 1-based): chr17:35,118,501, C>T on the plus strand (G>A on the coding strand, the complement: RAD51D is on the minus strand). VCF-style: chr17-35118501-C-T. GRCh37 (hg19) VCF-style: chr17-33445520-C-T.
Other names: c.144+610G>A (NM_133629.3, NM_001142571.2); short protein forms S88N.
Identifiers: ClinVar variation 652589 (VCV000652589.12), dbSNP rs757467813, ClinGen allele CA399091174.

ClinVar aggregate classification (germline): Uncertain significance. Review status: criteria provided, multiple submitters, no conflicts (2 of 4 stars). 3 submissions from 3 submitters: Uncertain significance (3). Last evaluated 2025-09-17.

Conditions:
Breast-ovarian cancer, familial, susceptibility to, 4. Identifiers: Orphanet 145, MedGen C3280345, MONDO:0013669, OMIM 614291.
Hereditary cancer-predisposing syndrome. Also called: Neoplastic Syndromes, Hereditary; Tumor predisposition; Hereditary Cancer Syndrome; Hereditary neoplastic syndrome. Identifiers: Orphanet 140162, MedGen C0027672, MeSH D009386, MONDO:0015356.

Allele frequency attached by ClinVar (database versions not stated): TOPMed below 0.00001; gnomAD 0.00001.

Submissions (3):

Ambry Genetics
Classification: Uncertain significance for Hereditary cancer-predisposing syndrome. Last evaluated: 2025-09-17. Review status: criteria provided, single submitter. Criteria: Ambry Variant Classification Scheme 2023. Collection method: clinical testing. Allele origin: germline.
Comment: The c.263G>A variant (also known as p.S88N), located in coding exon 3 of the RAD51D gene, results from a G to A substitution at nucleotide position 263. The amino acid change results in serine to asparagine at codon 88, an amino acid with highly similar properties. However, this change occurs in the last base pair of coding exon 3, which makes it likely to have some effect on normal mRNA splicing. This nucleotide position is highly conserved in available vertebrate species. In silico splice site analysis predicts that this alteration will weaken the native splice donor site and may result in the creation or strengthening of a novel splice donor site; however, direct evidence is insufficient at this time (Ambry internal data). Based on the available evidence, the clinical significance of this variant remains unclear.

Baylor Genetics
Classification: Uncertain significance for Breast-ovarian cancer, familial, susceptibility to, 4. Last evaluated: 2023-09-12. Review status: criteria provided, single submitter. Criteria: ACMG Guidelines, 2015. Collection method: clinical testing. Allele origin: unknown.

Labcorp Genetics (formerly Invitae), Labcorp
Classification: Uncertain significance for Breast-ovarian cancer, familial, susceptibility to, 4. Last evaluated: 2023-04-11. Review status: criteria provided, single submitter. Criteria: Invitae Variant Classification Sherloc (09022015). Collection method: clinical testing. Allele origin: germline.
Comment: This sequence change replaces serine, which is neutral and polar, with asparagine, which is neutral and polar, at codon 88 of the RAD51D protein (p.Ser88Asn). This variant also falls at the last nucleotide of exon 3, which is part of the consensus splice site for this exon. This variant is not present in population databases (gnomAD no frequency). This variant has not been reported in the literature in individuals affected with RAD51D-related conditions. ClinVar contains an entry for this variant (Variation ID: 652589). An algorithm developed to predict the effect of missense changes on protein structure and function (PolyPhen-2) suggests that this variant is likely to be disruptive. Variants that disrupt the consensus splice site are a relatively common cause of aberrant splicing (PMID: 17576681, 9536098). Algorithms developed to predict the effect of sequence changes on RNA splicing suggest that this variant may disrupt the consensus splice site. In summary, the available evidence is currently insufficient to determine the role of this variant in disease. Therefore, it has been classified as a Variant of Uncertain Significance.

Literature cited by the submitters: PubMed 17576681 (cited by Labcorp Genetics (formerly Invitae), Labcorp); PubMed 9536098 (cited by Labcorp Genetics (formerly Invitae), Labcorp).